The following is an entry in ClinVar:

NM_080632.3(UPF3B):c.1048C>T (p.Arg350Trp)

Gene: UPF3B (UPF3B regulator of nonsense mediated mRNA decay; minus strand). Cytogenetic location: Xq24.
Variant type: single nucleotide variant.
Coding change: c.1048C>T on transcript NM_080632.3 (MANE Select); coding-DNA position 1048, C replaced by T.
Protein change: p.Arg350Trp; replaces arginine 350 with tryptophan.
Molecular consequence: missense variant.
Genome position (GRCh38, 1-based): chrX:119,838,011, G>A on the plus strand (C>T on the coding strand, the complement: UPF3B is on the minus strand). VCF-style: chrX-119838011-G-A. GRCh37 (hg19) VCF-style: chrX-118971974-G-A.
Other names: c.1009C>T, p.Arg337Trp (NM_023010.4); short protein forms R337W, R350W.
Identifiers: ClinVar variation 2181504 (VCV002181504.4), dbSNP rs750307045, ClinGen allele CA10503201.
Genomic context (GRCh38, chrX:119,838,011, plus strand): 5'-CTTGCCGCTTCAGCCTCTCTCTTTCTCGAAGTATGCGCTCCTGATCTCGTTCATATTCCC[G>A]TTCCCTCTCCCTATAGTCTCTGCCGCTCTCATCTTCAGGTCTGCATGAAAAACAAATCTG-3'
Protein context (NP_542199.1, residues 340-360): ESGRDYRERE[Arg350Trp]EYERDQERIL

ClinVar aggregate classification (germline): Uncertain significance (1 of 4 stars; one submission).

Conditions:
Intellectual developmental disorder, X-linked, syndromic 14. Also called: Syndromic X-linked intellectual disability 14. Identifiers: Orphanet 776, MedGen C1970822, MONDO:0010398, OMIM 300676.

Allele frequency attached by ClinVar (database versions not stated): ExAC 0.00001; gnomAD exomes 0.00001; TOPMed 0.00001; gnomAD 0.00004.
gnomAD v4.1: 12 of 1,208,333 alleles (0.00099%); highest among the groups gnomAD compares: Admixed American, 0.0044%; no homozygotes.

Submission:

Labcorp Genetics (formerly Invitae), Labcorp
Classification: Uncertain significance for Intellectual developmental disorder, X-linked, syndromic 14. Last evaluated: 2025-03-23. Review status: criteria provided, single submitter. Criteria: Invitae Variant Classification Sherloc (09022015). Collection method: clinical testing. Allele origin: germline.
Comment: This sequence change replaces arginine, which is basic and polar, with tryptophan, which is neutral and slightly polar, at codon 350 of the UPF3B protein (p.Arg350Trp). This variant is present in population databases (rs750307045, gnomAD 0.007%), including at least one homozygous and/or hemizygous individual. This variant has not been reported in the literature in individuals affected with UPF3B-related conditions. ClinVar contains an entry for this variant (Variation ID: 2181504). Invitae Evidence Modeling of protein sequence and biophysical properties (such as structural, functional, and spatial information, amino acid conservation, physicochemical variation, residue mobility, and thermodynamic stability) has been performed for this missense variant. However, the output from this modeling did not meet the statistical confidence thresholds required to predict the impact of this variant on UPF3B protein function. In summary, the available evidence is currently insufficient to determine the role of this variant in disease. Therefore, it has been classified as a Variant of Uncertain Significance.